The following is an entry in ClinVar:

ClinVar aggregate classification (germline): Uncertain significance (1 of 4 stars; one submission).

Conditions:
Hereditary cancer-predisposing syndrome. Also called: Neoplastic Syndromes, Hereditary; Tumor predisposition; Hereditary Cancer Syndrome; Hereditary neoplastic syndrome. Identifiers: Orphanet 140162, MedGen C0027672, MeSH D009386, MONDO:0015356.

Submission:

Ambry Genetics
Classification: Uncertain significance for Hereditary cancer-predisposing syndrome. Last evaluated: 2016-07-24. Review status: criteria provided, single submitter. Criteria: Ambry Variant Classification Scheme 2023. Collection method: clinical testing. Allele origin: germline.
Comment: The c.1329_1331delACA variant (also known as p.E443_H444DELINSD) is located in coding exon 10 of the APC gene. This variant results from an in-frame ACA deletion at nucleotide positions 1329 to 1331. The two amino acids at codons 443 and 444 are replaced by a single aspartic acid residue. This variant was not reported in population based cohorts in the following databases: Database of Single Nucleotide Polymorphisms (dbSNP), NHLBI Exome Sequencing Project (ESP), and 1000 Genomes Project. In the ESP, this variant was not observed in 6501 samples (13002 alleles) with coverage at this position. To date, this alteration has been detected with an allele frequency of approximately 0.001% (greater than 90000 alleles tested) in our clinical cohort. These amino acid positions are well conserved in available vertebrate species. Since supporting evidence is limited at this time, the clinical significance of this alteration remains unclear.

NM_000038.6(APC):c.1329_1331del (p.Glu443_His444delinsAsp)

Gene: APC (APC regulator of Wnt signaling pathway; plus strand). Cytogenetic location: 5q22.2.
Variant type: Deletion.
Coding change: c.1329_1331del on transcript NM_000038.6 (MANE Select); coding-DNA positions 1329 to 1331, 3 bases deleted (ACA; older notation c.1329_1331delACA).
Protein change: p.Glu443_His444delinsAsp.
Molecular consequence: inframe indel.
Genome position (GRCh38, 1-based): chr5:112,821,912-112,821,914, ACA deleted; deleting any 3 consecutive bases within chr5:112,821,911-112,821,914 gives the same sequence; the c. name uses the placement nearest the transcript's 3' end. VCF-style (leftmost placement, unchanged base first): chr5-112821910-GAAC-G. GRCh37 (hg19) VCF-style: chr5-112157607-GAAC-G.
Other names: c.1026_1028del, p.Glu342_His343delinsAsp (NM_001354903.2); c.951_953del, p.Glu317_His318delinsAsp (NM_001354904.2); c.849_851del, p.Glu283_His284delinsAsp (NM_001354905.2); c.480_482del, p.Glu160_His161delinsAsp (NM_001354906.2); c.1329_1331del, p.Glu443_His444delinsAsp (NM_001127510.3, NM_001354895.2, NM_001354896.2); c.1275_1277del, p.Glu425_His426delinsAsp (NM_001127511.3); c.1359_1361del, p.Glu453_His454delinsAsp (NM_001354897.2); c.1254_1256del, p.Glu418_His419delinsAsp (NM_001354898.2); and 3 more.
Identifiers: ClinVar variation 482388 (VCV000482388.5), dbSNP rs1554080672, ClinGen allele CA658655922.
Genomic context (GRCh38, chr5:112,821,910, plus strand): 5'-CTTCAAATAACAAAGCATTATGGTTTATGTTGATTTTATTTTTCAGTGCCAGCTCCTGTT[GAAC>G]ATCAGATCTGTCCTGCTGTGTGTGTTCTAATGAAACTTTCATTTGATGAAGAGCATAGAC-3'